The following is an entry in ClinVar:

NM_020937.4(FANCM):c.3677A>T (p.Asp1226Val)

Gene: FANCM (FA complementation group M; plus strand). Cytogenetic location: 14q21.2.
Variant type: single nucleotide variant.
Coding change: c.3677A>T on transcript NM_020937.4 (MANE Select); coding-DNA position 3677, A replaced by T.
Protein change: p.Asp1226Val; replaces aspartic acid 1226 with valine.
Molecular consequence: missense variant.
Genome position (GRCh38, 1-based): chr14:45,176,431, A>T. VCF-style: chr14-45176431-A-T. GRCh37 (hg19) VCF-style: chr14-45645634-A-T.
Other names: c.3599A>T, p.Asp1200Val (NM_001308133.2); short protein forms D1200V, D1226V.
Identifiers: ClinVar variation 1801022 (VCV001801022.5), dbSNP rs1888705498, ClinGen allele CA389602552.
Genomic context (GRCh38, chr14:45,176,431, plus strand): 5'-AGAGAGGTGTACAGGAAGAAAAAGTGAAGAATCATGAGGATATTTTTGATTGCTCTAGGG[A>T]TTTATTTTCTGTTACCTTTGATTTAGGATTCTGTAGTCCAGATTCTGATGATGAAATATT-3'
Protein context (NP_065988.1, residues 1216-1236): NHEDIFDCSR[Asp1226Val]LFSVTFDLGF

ClinVar aggregate classification (germline): Uncertain significance. Review status: criteria provided, multiple submitters, no conflicts (2 of 4 stars). 2 submissions from 2 submitters: Uncertain significance (2). Last evaluated 2025-09-10.

Conditions:
Inborn genetic diseases. Identifiers: MedGen C0950123, MeSH D030342.

Submissions (2):

Ambry Genetics
Classification: Uncertain significance for Inborn genetic diseases. Last evaluated: 2025-09-10. Review status: criteria provided, single submitter. Criteria: Ambry Variant Classification Scheme 2023. Collection method: clinical testing. Allele origin: germline.
Comment: The p.D1226V variant (also known as c.3677A>T), located in coding exon 14 of the FANCM gene, results from an A to T substitution at nucleotide position 3677. The aspartic acid at codon 1226 is replaced by valine, an amino acid with highly dissimilar properties. This amino acid position is conserved. In addition, this alteration is predicted to be tolerated by in silico analysis. Based on the available evidence, the clinical significance of this variant remains unclear.

GeneDx
Classification: Uncertain significance. Last evaluated: 2022-05-23. Review status: criteria provided, single submitter. Criteria: GeneDx Variant Classification Process June 2021. Collection method: clinical testing. Allele origin: germline. Affected: yes.
Comment: Not observed at significant frequency in large population cohorts (gnomAD); In silico analysis supports that this missense variant has a deleterious effect on protein structure/function; Has not been previously published as pathogenic or benign to our knowledge